The following is an entry in ClinVar:

ClinVar aggregate classification (germline): Pathogenic (1 of 4 stars; one submission).

Conditions:
Primary ciliary dyskinesia. Also called: Ciliary dyskinesia. Identifiers: Orphanet 244, MedGen C0008780, MONDO:0016575, HP:0012265.

Submission:

Labcorp Genetics (formerly Invitae), Labcorp
Classification: Pathogenic for Primary ciliary dyskinesia. Last evaluated: 2023-02-11. Review status: criteria provided, single submitter. Criteria: Invitae Variant Classification Sherloc (09022015). Collection method: clinical testing. Allele origin: germline.
Comment: For these reasons, this variant has been classified as Pathogenic. This variant has not been reported in the literature in individuals affected with RSPH4A-related conditions. This variant is not present in population databases (gnomAD no frequency). This sequence change creates a premature translational stop signal (p.Trp24*) in the RSPH4A gene. It is expected to result in an absent or disrupted protein product. Loss-of-function variants in RSPH4A are known to be pathogenic (PMID: 19200523).

Literature cited by the submitters: PubMed 19200523.

NM_001010892.3(RSPH4A):c.72G>A (p.Trp24Ter)

Genes: RSPH4A (radial spoke head component 4A; plus strand), LOC129997052 (ATAC-STARR-seq lymphoblastoid active region 24998; plus strand). Cytogenetic location: 6q22.1.
Variant type: single nucleotide variant.
Coding change: c.72G>A on transcript NM_001010892.3 (MANE Select); coding-DNA position 72, G replaced by A.
Protein change: p.Trp24Ter; replaces tryptophan 24 with a stop codon.
Molecular consequence: nonsense.
Genome position (GRCh38, 1-based): chr6:116,616,695, G>A. VCF-style: chr6-116616695-G-A. GRCh37 (hg19) VCF-style: chr6-116937858-G-A.
Other names: c.72G>A, p.Trp24Ter (NM_001161664.2); short protein forms W24*.
Identifiers: ClinVar variation 2113289 (VCV002113289.4), dbSNP rs1775508204, ClinGen allele CA365389568.